The following is an entry in ClinVar:

ClinVar aggregate classification (germline): Conflicting classifications of pathogenicity. Review status: criteria provided, conflicting classifications (1 of 4 stars). 2 submissions from 2 submitters: Likely pathogenic (1); Uncertain significance (1). Last evaluated 2024-10-22.

Conditions:
DNA2-related disorder. Also called: DNA2-related condition.

Allele frequency attached by ClinVar (database versions not stated): gnomAD exomes 0.00001; ExAC 0.00003.
gnomAD v4.1: 13 of 1,539,156 alleles (0.00084%); highest among the groups gnomAD compares: South Asian, 0.014%; no homozygotes.

Submissions (2):

3billion
Classification: Likely pathogenic for DNA2-related disorder. Last evaluated: 2024-10-22. Review status: criteria provided, single submitter. Criteria: ACMG Guidelines, 2015. Collection method: clinical testing. Allele origin: germline. Affected: yes.
Comment: The variant is observed at an extremely low frequency in the gnomAD v4.1.0 dataset (total allele frequency: <0.001%). Predicted Consequence/Location: Canonical splice site: predicted to alter splicing and result in a loss or disruption of normal protein function. Multiple pathogenic loss-of-function variants are reported downstream of the variant. In silico tools predict the variant to alter splicing and produce an abnormal transcript [SpliceAI: 0.99 (spliceogenicity >=0.2, non-spliceogenicity <0.1)]. The variant has been reported as of uncertain significance (ClinVar ID: VCV002871346). Therefore, this variant is classified as Likely pathogenic according to the recommendation of ACMG/AMP guideline.

Labcorp Genetics (formerly Invitae), Labcorp
Classification: Uncertain significance. Last evaluated: 2023-03-27. Review status: criteria provided, single submitter. Criteria: Invitae Variant Classification Sherloc (09022015). Collection method: clinical testing. Allele origin: germline.
Comment: This variant is present in population databases (rs747618371, gnomAD 0.02%). This variant has not been reported in the literature in individuals affected with DNA2-related conditions. Algorithms developed to predict the effect of sequence changes on RNA splicing suggest that this variant may disrupt the consensus splice site. In summary, the available evidence is currently insufficient to determine the role of this variant in disease. Therefore, it has been classified as a Variant of Uncertain Significance. This sequence change affects a donor splice site in intron 6 of the DNA2 gene. It is expected to disrupt RNA splicing. Variants that disrupt the donor or acceptor splice site typically lead to a loss of protein function (PMID: 16199547), however the current clinical and genetic evidence is not sufficient to establish whether loss-of-function variants in DNA2 cause disease.

Literature cited by the submitters: PubMed 16199547 (cited by Labcorp Genetics (formerly Invitae), Labcorp).

NM_001080449.3(DNA2):c.939+1G>A

Gene: DNA2 (DNA replication helicase/nuclease 2; minus strand). Cytogenetic location: 10q21.3.
Variant type: single nucleotide variant.
Coding change: c.939+1G>A on transcript NM_001080449.3 (MANE Select); the canonical splice donor site of the intron after coding-DNA position 939, G replaced by A.
Molecular consequence: splice donor variant.
Genome position (GRCh38, 1-based): chr10:68,450,027, C>T on the plus strand (G>A on the coding strand, the complement: DNA2 is on the minus strand). VCF-style: chr10-68450027-C-T. GRCh37 (hg19) VCF-style: chr10-70209784-C-T.
Identifiers: ClinVar variation 2871346 (VCV002871346.4), dbSNP rs747618371, ClinGen allele CA5525181.